The following is an entry in ClinVar:

ClinVar aggregate classification (germline): Conflicting classifications of pathogenicity. Review status: criteria provided, conflicting classifications (1 of 4 stars). 5 submissions from 5 submitters: Likely pathogenic (1); Uncertain significance (2); Benign (1); Likely benign (1). Last evaluated 2025-08-24.

Conditions:
Birt-Hogg-Dube syndrome 1 (BHD1). Also called: FIBROFOLLICULOMAS WITH TRICHODISCOMAS AND ACROCHORDONS. Identifiers: Orphanet 122, MedGen CN375946, MONDO:0800445, OMIM 135150.
Nonpapillary renal cell carcinoma. Identifiers: Orphanet 422526, MedGen CN074294, MONDO:0007763, OMIM 144700.
17p11.2 microduplication syndrome (PTLS). Also called: CHROMOSOME 17p11.2 DUPLICATION SYNDROME; Potocki-Lupski syndrome; Duplication 17p11.2 syndrome; Potocki-Lupski syndrome (dup(17)(p11.2p11.2)). Identifiers: Orphanet 1713, MedGen C2931246, MONDO:0012574, OMIM 610883.
Birt-Hogg-Dube syndrome. Also called: Birt Hogg Dubé syndrome. Identifiers: Orphanet 122, MedGen C0346010, MONDO:0800444.
Familial spontaneous pneumothorax (PSP). Identifiers: Orphanet 2903, MedGen C1868193, MONDO:0008259, OMIM 173600.
Colorectal cancer. Also called: Colorectal cancer, somatic; Malignant Colorectal Neoplasm. Identifiers: MedGen C0346629, MONDO:0005575, OMIM 114500.
Ovarian cancer. Also called: OVARIAN CANCER, SOMATIC. Identifiers: Orphanet 213500, MedGen C1140680, MONDO:0008170, OMIM 167000.
Hereditary cancer-predisposing syndrome. Also called: Neoplastic Syndromes, Hereditary; Hereditary Cancer Syndrome; Hereditary neoplastic syndrome; Tumor predisposition. Identifiers: Orphanet 140162, MedGen C0027672, MeSH D009386, MONDO:0015356.

Allele frequency attached by ClinVar (database versions not stated): gnomAD exomes below 0.00001 and 0.00001; gnomAD 0.00001.

Submissions (5):

Labcorp Genetics (formerly Invitae), Labcorp
Classification: Uncertain significance for Birt-Hogg-Dube syndrome. Last evaluated: 2025-08-24. Review status: criteria provided, single submitter. Criteria: Invitae Variant Classification Sherloc (09022015). Collection method: clinical testing. Allele origin: germline.
Comment: This sequence change replaces phenylalanine, which is neutral and non-polar, with isoleucine, which is neutral and non-polar, at codon 188 of the FLCN protein (p.Phe188Ile). This variant is present in population databases (no rsID available, gnomAD 0.03%). This variant has not been reported in the literature in individuals affected with FLCN-related conditions. ClinVar contains an entry for this variant (Variation ID: 852166). Invitae Evidence Modeling of protein sequence and biophysical properties (such as structural, functional, and spatial information, amino acid conservation, physicochemical variation, residue mobility, and thermodynamic stability) indicates that this missense variant is expected to disrupt FLCN protein function with a positive predictive value of 80%. In summary, the available evidence is currently insufficient to determine the role of this variant in disease. Therefore, it has been classified as a Variant of Uncertain Significance.

Myriad Genetics, Inc.
Classification: Likely benign for Birt-Hogg-Dube syndrome 1. Last evaluated: 2024-10-23. Review status: criteria provided, single submitter. Criteria: Myriad Autosomal Dominant, Autosomal Recessive and X-Linked Classification Criteria (2023). Collection method: clinical testing. Allele origin: unknown.
Comment: This variant is considered likely benign. This variant has been observed at a population frequency that is significantly greater than expected given the associated disease prevalence and penetrance.

Ambry Genetics
Classification: Benign for Hereditary cancer-predisposing syndrome. Last evaluated: 2023-01-27. Review status: criteria provided, single submitter. Criteria: Ambry Variant Classification Scheme 2023. Collection method: clinical testing. Allele origin: germline.

Laboratory of Molecular Epidemiology of Birth Defects, West China Second University Hospital, Sichuan University
Classification: Likely pathogenic for Ovarian cancer. Last evaluated: 2022-01-01. Review status: criteria provided, single submitter. Criteria: ACMG Guidelines, 2015. Collection method: clinical testing. Allele origin: germline. Affected: yes.

Fulgent Genetics
Classification: Uncertain significance for Colorectal cancer; Birt-Hogg-Dube syndrome 1; Nonpapillary renal cell carcinoma; Familial spontaneous pneumothorax; 17p11.2 microduplication syndrome. Last evaluated: 2021-10-05. Review status: criteria provided, single submitter. Criteria: ACMG Guidelines, 2015. Collection method: clinical testing. Allele origin: unknown.

Literature cited by the submitters: PubMed 30548481 (cited by Ambry Genetics).

NM_144997.7(FLCN):c.562T>A (p.Phe188Ile)

Gene: FLCN (folliculin; minus strand). Cytogenetic location: 17p11.2.
Variant type: single nucleotide variant.
Coding change: c.562T>A on transcript NM_144997.7 (MANE Select); coding-DNA position 562, T replaced by A.
Protein change: p.Phe188Ile; replaces phenylalanine 188 with isoleucine.
Molecular consequence: missense variant.
Genome position (GRCh38, 1-based): chr17:17,223,978, A>T on the plus strand (T>A on the coding strand, the complement: FLCN is on the minus strand). VCF-style: chr17-17223978-A-T. GRCh37 (hg19) VCF-style: chr17-17127292-A-T.
Other names: c.616T>A, p.Phe206Ile (NM_001353229.2); c.562T>A, p.Phe188Ile (NM_001353230.2, NM_001353231.2, NM_144606.7); short protein forms F188I, F206I.
Identifiers: ClinVar variation 852166 (VCV000852166.14), dbSNP rs1407566775, ClinGen allele CA398534283.